The following is an entry in ClinVar:

NM_198576.4(AGRN):c.5659G>A (p.Ala1887Thr)

Gene: AGRN (agrin; plus strand). Cytogenetic location: 1p36.33.
Variant type: single nucleotide variant.
Coding change: c.5659G>A on transcript NM_198576.4 (MANE Select); coding-DNA position 5659, G replaced by A.
Protein change: p.Ala1887Thr; replaces alanine 1887 with threonine.
Molecular consequence: missense variant.
Genome position (GRCh38, 1-based): chr1:1,053,760, G>A. VCF-style: chr1-1053760-G-A. GRCh37 (hg19) VCF-style: chr1-989140-G-A.
Other names: c.5728G>A, p.Ala1910Thr (NM_001305275.2); c.5356G>A, p.Ala1786Thr (NM_001364727.2); short protein forms A1887T, A1786T, A1910T.
Identifiers: ClinVar variation 1432947 (VCV001432947.6), dbSNP rs1438398169, ClinGen allele CA337784658.

ClinVar aggregate classification (germline): Uncertain significance (1 of 4 stars; one submission).

Conditions:
Congenital myasthenic syndrome 8. Also called: MYASTHENIC SYNDROME, CONGENITAL, DUE TO AGRIN DEFICIENCY; Myasthenic syndrome, congenital, 8, with pre- and postsynaptic defects. Identifiers: Orphanet 590, MedGen C3808739, MONDO:0014052, OMIM 615120.

Allele frequency attached by ClinVar (database versions not stated): gnomAD exomes below 0.00001.

Submission:

Labcorp Genetics (formerly Invitae), Labcorp
Classification: Uncertain significance for Congenital myasthenic syndrome 8. Last evaluated: 2021-09-17. Review status: criteria provided, single submitter. Criteria: Invitae Variant Classification Sherloc (09022015). Collection method: clinical testing. Allele origin: germline.
Comment: This sequence change replaces alanine with threonine at codon 1887 of the AGRN protein (p.Ala1887Thr). The alanine residue is highly conserved and there is a small physicochemical difference between alanine and threonine. This variant is not present in population databases (ExAC no frequency). This variant has not been reported in the literature in individuals affected with AGRN-related conditions. Algorithms developed to predict the effect of missense changes on protein structure and function are either unavailable or do not agree on the potential impact of this missense change (SIFT: "Deleterious"; PolyPhen-2: "Probably Damaging"; Align-GVGD: "Class C0"). In summary, the available evidence is currently insufficient to determine the role of this variant in disease. Therefore, it has been classified as a Variant of Uncertain Significance.